The following is an entry in ClinVar:

ClinVar aggregate classification (germline): Pathogenic/Likely pathogenic. Review status: criteria provided, multiple submitters, no conflicts (2 of 4 stars). 3 submissions from 3 submitters: Pathogenic (1); Likely pathogenic (1). 1 of the submissions does not count toward it. Last evaluated 2024-02-24.

Conditions:
Retinitis pigmentosa 25 (RP25). Identifiers: Orphanet 791, MedGen C1864446, MONDO:0011272, OMIM 602772.
Retinal dystrophy. Also called: Inherited retinal dystrophy. Identifiers: Orphanet 71862, MedGen C0854723, MeSH D058499, MONDO:0019118, HP:0000556.

Submissions (3):

Baylor Genetics
Classification: Likely pathogenic for Retinitis pigmentosa 25. Last evaluated: 2024-02-24. Review status: criteria provided, single submitter. Criteria: ACMG Guidelines, 2015. Collection method: clinical testing. Allele origin: unknown.

Labcorp Genetics (formerly Invitae), Labcorp
Classification: Pathogenic. Last evaluated: 2023-06-28. Review status: criteria provided, single submitter. Criteria: Invitae Variant Classification Sherloc (09022015). Collection method: clinical testing. Allele origin: germline.
Comment: For these reasons, this variant has been classified as Pathogenic. This variant has not been reported in the literature in individuals affected with EYS-related conditions. This variant is not present in population databases (gnomAD no frequency). This sequence change creates a premature translational stop signal (p.Arg232Glufs*25) in the EYS gene. It is expected to result in an absent or disrupted protein product. Loss-of-function variants in EYS are known to be pathogenic (PMID: 18836446, 20333770).

Institute of Human Genetics, Univ. Regensburg, Univ. Regensburg
Classification: Pathogenic for Retinal dystrophy. Last evaluated: 2022-01-01. Review status: no assertion criteria provided. Criteria: ACMG Guidelines, 2015. Collection method: clinical testing. Allele origin: germline. Affected: yes. Not counted in ClinVar's aggregate classification.

Literature cited by the submitters: PubMed 18836446 (cited by Labcorp Genetics (formerly Invitae), Labcorp); PubMed 20333770 (cited by Labcorp Genetics (formerly Invitae), Labcorp).

NM_001142800.2(EYS):c.694del (p.Arg232fs)

Gene: EYS (EGF-like photoreceptor maintenance factor; minus strand). Cytogenetic location: 6q12.
Variant type: Deletion.
Coding change: c.694del on transcript NM_001142800.2 (MANE Select); coding-DNA position 694, one base deleted (A; older notation c.694delA).
Protein change: p.Arg232fs; shifts the reading frame from arginine 232.
Molecular consequence: frameshift variant.
Genome position (GRCh38, 1-based): chr6:65,494,717, T deleted on the plus strand (A on the coding strand, the reverse complement: EYS is on the minus strand); the first of 4 consecutive T bases (chr6:65,494,717-65,494,720); deleting any one gives the same sequence. VCF-style (leftmost placement, unchanged base first): chr6-65494716-CT-C. GRCh37 (hg19) VCF-style: chr6-66204609-CT-C.
Other names: c.694del, p.Arg232fs (NM_001142801.2, NM_001292009.2, NM_198283.2); short protein forms R232fs.
Identifiers: ClinVar variation 2732206 (VCV002732206.5), dbSNP rs2533027394, ClinGen allele CA2679290302.
Genomic context (GRCh38, chr6:65,494,716, plus strand): 5'-ATCTTACCTGTAAATGGTGGGTGACAGACACATTCATATGCTTGCTCATCCCAATTTTCT[CT>C]TTTATTAATGCAACTGCCATTATTTTTACATGGTTTAAAAGAACATGCATCAAGTTCCTG-3'